The following is an entry in ClinVar:

NM_006364.4(SEC23A):c.1937G>A (p.Arg646His)

Gene: SEC23A (SEC23 homolog A, COPII component; minus strand). Cytogenetic location: 14q21.1.
Variant type: single nucleotide variant.
Coding change: c.1937G>A on transcript NM_006364.4 (MANE Select); coding-DNA position 1937, G replaced by A.
Protein change: p.Arg646His; replaces arginine 646 with histidine.
Molecular consequence: missense variant.
Genome position (GRCh38, 1-based): chr14:39,042,835, C>T on the plus strand (G>A on the coding strand, the complement: SEC23A is on the minus strand). VCF-style: chr14-39042835-C-T. GRCh37 (hg19) VCF-style: chr14-39512039-C-T.
Other names: short protein forms R646H.
Identifiers: ClinVar variation 4707061 (VCV004707061.1).

ClinVar aggregate classification (germline): Uncertain significance (1 of 4 stars; one submission).

Conditions:
Craniolenticulosutural dysplasia (CLSD). Also called: BOYADJIEV-JABS SYNDROME. Identifiers: Orphanet 50814, MedGen C1843042, MONDO:0011911, OMIM 607812.

gnomAD v4.1: 4 of 1,612,074 alleles (0.00025%); highest among the groups gnomAD compares: Non-Finnish European, 0.00025%; no homozygotes.

Submission:

Labcorp Genetics (formerly Invitae), Labcorp
Classification: Uncertain significance for Craniolenticulosutural dysplasia. Last evaluated: 2025-12-08. Review status: criteria provided, single submitter. Criteria: Invitae Variant Classification Sherloc (09022015). Collection method: clinical testing. Allele origin: germline.
Comment: This sequence change replaces arginine, which is basic and polar, with histidine, which is basic and polar, at codon 646 of the SEC23A protein (p.Arg646His). This variant is not present in population databases (gnomAD no frequency). This variant has not been reported in the literature in individuals affected with SEC23A-related conditions. Invitae Evidence Modeling of protein sequence and biophysical properties (such as structural, functional, and spatial information, amino acid conservation, physicochemical variation, residue mobility, and thermodynamic stability) indicates that this missense variant is not expected to disrupt SEC23A protein function with a negative predictive value of 80%. In summary, the available evidence is currently insufficient to determine the role of this variant in disease. Therefore, it has been classified as a Variant of Uncertain Significance.